The following is an entry in ClinVar:

ClinVar aggregate classification (germline): Uncertain significance (1 of 4 stars; one submission).

Allele frequency attached by ClinVar (database versions not stated): gnomAD 0.00001.
gnomAD v4.1: 2 of 1,603,030 alleles (0.00012%); highest among the groups gnomAD compares: Admixed American, 0.0017%; no homozygotes.

Submission:

Labcorp Genetics (formerly Invitae), Labcorp
Classification: Uncertain significance. Last evaluated: 2023-09-05. Review status: criteria provided, single submitter. Criteria: Invitae Variant Classification Sherloc (09022015). Collection method: clinical testing. Allele origin: germline.
Comment: This sequence change replaces proline, which is neutral and non-polar, with serine, which is neutral and polar, at codon 883 of the PCLO protein (p.Pro883Ser). This variant is present in population databases (no rsID available, gnomAD 0.004%). This variant has not been reported in the literature in individuals affected with PCLO-related conditions. Experimental studies and prediction algorithms are not available or were not evaluated, and the functional significance of this variant is currently unknown. In summary, the available evidence is currently insufficient to determine the role of this variant in disease. Therefore, it has been classified as a Variant of Uncertain Significance.

NM_033026.6(PCLO):c.2647C>T (p.Pro883Ser)

Gene: PCLO (piccolo presynaptic cytomatrix protein; minus strand). Cytogenetic location: 7q21.11.
Variant type: single nucleotide variant.
Coding change: c.2647C>T on transcript NM_033026.6 (MANE Select); coding-DNA position 2647, C replaced by T.
Protein change: p.Pro883Ser; replaces proline 883 with serine.
Molecular consequence: missense variant.
Genome position (GRCh38, 1-based): chr7:83,134,903, G>A on the plus strand (C>T on the coding strand, the complement: PCLO is on the minus strand). VCF-style: chr7-83134903-G-A. GRCh37 (hg19) VCF-style: chr7-82764219-G-A.
Other names: c.2647C>T, p.Pro883Ser (NM_014510.3); short protein forms P883S.
Identifiers: ClinVar variation 2984855 (VCV002984855.2), dbSNP rs1182209599, ClinGen allele CA367899360.